The following is an entry in ClinVar:

NM_006312.6(NCOR2):c.2274C>T (p.Ala758=)

Gene: NCOR2 (nuclear receptor corepressor 2; minus strand). Cytogenetic location: 12q24.31.
Variant type: single nucleotide variant.
Coding change: c.2274C>T on transcript NM_006312.6 (MANE Select); coding-DNA position 2274, C replaced by T.
Protein change: p.Ala758=; no amino-acid change (alanine 758 retained).
Molecular consequence: synonymous variant.
Genome position (GRCh38, 1-based): chr12:124,372,555, G>A on the plus strand (C>T on the coding strand, the complement: NCOR2 is on the minus strand). VCF-style: chr12-124372555-G-A. GRCh37 (hg19) VCF-style: chr12-124857101-G-A.
Other names: c.2220C>T, p.Ala740= (NM_001077261.4, NM_001206654.2).
Identifiers: ClinVar variation 3058166 (VCV003058166.2), dbSNP rs771509251, ClinGen allele CA6869116.

ClinVar aggregate classification (germline): Likely benign (0 of 4 stars; one submission).

Conditions:
NCOR2-related disorder. Also called: NCOR2-related condition.

Allele frequency attached by ClinVar (database versions not stated): ExAC 0.00001; gnomAD 0.00002; TOPMed 0.00004.
gnomAD v4.1: 59 of 1,598,028 alleles (0.0037%); highest among the groups gnomAD compares: South Asian, 0.011%; no homozygotes.

Submission:

PreventionGenetics, part of Exact Sciences
Classification: Likely benign for NCOR2-related condition. Last evaluated: 2019-04-09. Review status: no assertion criteria provided. Collection method: clinical testing. Allele origin: germline.
Comment: This variant is classified as likely benign based on ACMG/AMP sequence variant interpretation guidelines (Richards et al. 2015 PMID: 25741868, with internal and published modifications).